The following is an entry in ClinVar:

ClinVar aggregate classification (germline): Uncertain significance (1 of 4 stars; one submission).

Submission:

Labcorp Genetics (formerly Invitae), Labcorp
Classification: Uncertain significance. Last evaluated: 2022-04-01. Review status: criteria provided, single submitter. Criteria: Invitae Variant Classification Sherloc (09022015). Collection method: clinical testing. Allele origin: germline.
Comment: This sequence change replaces glutamine, which is neutral and polar, with glutamic acid, which is acidic and polar, at codon 531 of the CTNNA1 protein (p.Gln531Glu). This variant is not present in population databases (gnomAD no frequency). This variant has not been reported in the literature in individuals affected with CTNNA1-related conditions. Algorithms developed to predict the effect of missense changes on protein structure and function are either unavailable or do not agree on the potential impact of this missense change (SIFT: "Deleterious"; PolyPhen-2: "Benign"; Align-GVGD: "Class C0"). In summary, the available evidence is currently insufficient to determine the role of this variant in disease. Therefore, it has been classified as a Variant of Uncertain Significance.

NM_001903.5(CTNNA1):c.1591C>G (p.Gln531Glu)

Gene: CTNNA1 (catenin alpha 1; plus strand). Cytogenetic location: 5q31.2.
Variant type: single nucleotide variant.
Coding change: c.1591C>G on transcript NM_001903.5 (MANE Select); coding-DNA position 1591, C replaced by G.
Protein change: p.Gln531Glu; replaces glutamine 531 with glutamic acid.
Molecular consequence: missense variant.
Genome position (GRCh38, 1-based): chr5:138,924,554, C>G. VCF-style: chr5-138924554-C-G. GRCh37 (hg19) VCF-style: chr5-138260243-C-G.
Other names: c.1591C>G, p.Gln531Glu (NM_001290307.3, NM_001323982.2, NM_001323983.1 and 2 more transcripts); c.1282C>G, p.Gln428Glu (NM_001290309.3); c.1222C>G, p.Gln408Glu (NM_001290310.3); c.481C>G, p.Gln161Glu (NM_001290312.1, NM_001323987.1, NM_001323998.1 and 17 more transcripts); c.1498C>G, p.Gln500Glu (NM_001323986.2); c.142C>G, p.Gln48Glu (NM_001324006.1, NM_001324007.1, NM_001324008.1 and 2 more transcripts); c.388C>G, p.Gln130Glu (NM_001324011.1); c.238C>G, p.Gln80Glu (NM_001324012.1, NM_001324013.1); short protein forms Q130E, Q161E, Q428E, Q500E, Q531E, Q408E, Q48E, Q80E.
Identifiers: ClinVar variation 2120132 (VCV002120132.4), dbSNP rs2533708205, ClinGen allele CA361131774.
Genomic context (GRCh38, chr5:138,924,554, plus strand): 5'-TTTGCTTGTTCTCCAGAGAATCACATTTTGGAAGATGTGAACAAATGTGTCATTGCTCTC[C>G]AAGAGAAGGATGTGGATGGCCTGGACCGCACAGCTGGTGCAATTCGAGGCCGGGCAGCCC-3'
Protein context (NP_001894.2, residues 521-541): EDVNKCVIAL[Gln531Glu]EKDVDGLDRT